The following is an entry in ClinVar:

NM_000038.6(APC):c.2924A>C (p.Lys975Thr)

Gene: APC (APC regulator of Wnt signaling pathway; plus strand). Cytogenetic location: 5q22.2.
Variant type: single nucleotide variant.
Coding change: c.2924A>C on transcript NM_000038.6 (MANE Select); coding-DNA position 2924, A replaced by C.
Protein change: p.Lys975Thr; replaces lysine 975 with threonine.
Molecular consequence: missense variant.
Genome position (GRCh38, 1-based): chr5:112,838,518, A>C. VCF-style: chr5-112838518-A-C. GRCh37 (hg19) VCF-style: chr5-112174215-A-C.
Other names: c.2924A>C, p.Lys975Thr (NM_001127510.3, NM_001354895.2); c.2870A>C, p.Lys957Thr (NM_001127511.3); c.2978A>C, p.Lys993Thr (NM_001354896.2); c.2954A>C, p.Lys985Thr (NM_001354897.2); c.2849A>C, p.Lys950Thr (NM_001354898.2); c.2840A>C, p.Lys947Thr (NM_001354899.2); c.2801A>C, p.Lys934Thr (NM_001354900.2); c.2747A>C, p.Lys916Thr (NM_001354901.2); and 5 more; short protein forms K947T, K692T, K849T, K957T, K985T, K874T, K916T, K934T.
Identifiers: ClinVar variation 959129 (VCV000959129.11), dbSNP rs1765296512, ClinGen allele CA16027718.

ClinVar aggregate classification (germline): Uncertain significance (1 of 4 stars; one submission).

Conditions:
Familial adenomatous polyposis 1 (FAP1). Also called: POLYPOSIS, ADENOMATOUS INTESTINAL; FAMILIAL ADENOMATOUS POLYPOSIS 1, ATTENUATED. Identifiers: MedGen C2713442, MONDO:0021056, OMIM 175100. Disease mechanism: loss of function.

Submission:

Labcorp Genetics (formerly Invitae), Labcorp
Classification: Uncertain significance for Familial adenomatous polyposis 1. Last evaluated: 2019-07-23. Review status: criteria provided, single submitter. Criteria: Invitae Variant Classification Sherloc (09022015). Collection method: clinical testing. Allele origin: germline.
Comment: In summary, the available evidence is currently insufficient to determine the role of this variant in disease. Therefore, it has been classified as a Variant of Uncertain Significance. Algorithms developed to predict the effect of missense changes on protein structure and function are either unavailable or do not agree on the potential impact of this missense change (SIFT: "Deleterious"; PolyPhen-2: "Benign"; Align-GVGD: "Class C0"). This variant has not been reported in the literature in individuals with APC-related conditions. This variant is not present in population databases (ExAC no frequency). This sequence change replaces lysine with threonine at codon 975 of the APC protein (p.Lys975Thr). The lysine residue is highly conserved and there is a moderate physicochemical difference between lysine and threonine.